The following is an entry in ClinVar:

NM_000093.5(COL5A1):c.805G>A (p.Glu269Lys)

Gene: COL5A1 (collagen type V alpha 1 chain; plus strand). Cytogenetic location: 9q34.3.
Variant type: single nucleotide variant.
Coding change: c.805G>A on transcript NM_000093.5 (MANE Select); coding-DNA position 805, G replaced by A.
Protein change: p.Glu269Lys; replaces glutamic acid 269 with lysine.
Molecular consequence: missense variant.
Genome position (GRCh38, 1-based): chr9:134,728,688, G>A. VCF-style: chr9-134728688-G-A. GRCh37 (hg19) VCF-style: chr9-137620534-G-A.
Other names: p.E269K:GAG>AAG; c.805G>A, p.Glu269Lys (NM_001278074.1); short protein forms E269K.
Identifiers: ClinVar variation 198041 (VCV000198041.34), dbSNP rs761079177, ClinGen allele CA246528.

ClinVar aggregate classification (germline): Conflicting classifications of pathogenicity. Review status: criteria provided, conflicting classifications (1 of 4 stars). 9 submissions from 9 submitters: Uncertain significance (3); Benign (1); Likely benign (4). 1 of the submissions does not count toward it. Last evaluated 2026-01-11.

Conditions:
COL5A1-related disorder. Also called: COL5A1-related condition.
Ehlers-Danlos syndrome, classic type, 1 (EDSCL1). Also called: Ehlers-Danlos syndrome, type 1; EHLERS-DANLOS SYNDROME, GRAVIS TYPE; EHLERS-DANLOS SYNDROME, SEVERE CLASSIC TYPE; Ehlers-Danlos Syndrome, Classic Type, COL5A1-Related; EDS I. Identifiers: MedGen C0268335, MONDO:0019567, OMIM 130000.
Ehlers-Danlos syndrome, classic type (cEDS). Identifiers: Orphanet 287, MedGen C4225429, MONDO:0007522.
Familial thoracic aortic aneurysm and aortic dissection (TAAD). Also called: Thoracic aortic aneurysms and dissections. Identifiers: Orphanet 91387, MedGen C4707243, MONDO:0019625.

Allele frequency attached by ClinVar (database versions not stated): gnomAD 0.00006 and 0.00009; TOPMed 0.00007; gnomAD exomes 0.00015 and 0.00022; ExAC 0.00021.
gnomAD v4.1: 230 of 1,614,162 alleles (0.014%); highest among the groups gnomAD compares: Middle Eastern, 0.21%; 1 homozygote.

Submissions (9):

Labcorp Genetics (formerly Invitae), Labcorp
Classification: Benign for Ehlers-Danlos syndrome, classic type, 1. Last evaluated: 2026-01-11. Review status: criteria provided, single submitter. Criteria: Invitae Variant Classification Sherloc (09022015). Collection method: clinical testing. Allele origin: germline.

Women's Health and Genetics/Laboratory Corporation of America, LabCorp
Classification: Likely benign. Last evaluated: 2025-06-09. Review status: criteria provided, single submitter. Criteria: LabCorp Variant Classification Summary - May 2015. Collection method: clinical testing. Allele origin: germline.
Comment: Variant summary: COL5A1 c.805G>A (p.Glu269Lys) results in a conservative amino acid change in the encoded protein sequence. Algorithms developed to predict the effect of missense changes on protein structure and function are either unavailable or do not agree on the potential impact of this missense change. The variant allele was found at a frequency of 0.00022 in 251412 control chromosomes, predominantly at a frequency of 0.00082 within the South Asian subpopulation in the gnomAD database. The observed variant frequency within South Asian control individuals in the gnomAD database is approximately 26 fold of the estimated maximal expected allele frequency for a pathogenic variant in COL5A1 causing Ehlers-Danlos Syndrome phenotype (3.1e-05). To our knowledge, no experimental evidence demonstrating its impact on protein function has been reported. ClinVar contains an entry for this variant (Variation ID: 198041). Based on the evidence outlined above, the variant was classified as likely benign.

Blueprint Genetics
Classification: Likely benign. Last evaluated: 2024-11-22. Review status: criteria provided, single submitter. Criteria: ACMG Guidelines, 2015. Collection method: clinical testing. Allele origin: germline.

GeneDx
Classification: Uncertain significance. Last evaluated: 2023-11-29. Review status: criteria provided, single submitter. Criteria: GeneDx Variant Classification Process June 2021. Collection method: clinical testing. Allele origin: germline. Affected: yes.
Comment: Identified in a patient with ectopia lentis, hypermobility, aortic dilation, and mitral valve prolapse who also harbored a variant in the FBN1 gene (PMID: 27011056); Identified in a patient with ischemia of the anterior wall of the stomach and resulting gastric perforation, and marfanoid habitus (PMID: 34696817); In silico analysis supports that this missense variant does not alter protein structure/function; Not located in the triple helical region, where the majority of pathogenic missense variants occur (PMID: 22696272; HGMD); This variant is associated with the following publications: (PMID: 33206719, 28748566, 22696272, 27011056, 34696817)

Ambry Genetics
Classification: Likely benign for Familial thoracic aortic aneurysm and aortic dissection. Last evaluated: 2020-10-07. Review status: criteria provided, single submitter. Criteria: Ambry Variant Classification Scheme 2023. Collection method: clinical testing. Allele origin: germline.

ARUP Laboratories, Molecular Genetics and Genomics, ARUP Laboratories
Classification: Uncertain significance. Last evaluated: 2018-01-16. Review status: criteria provided, single submitter. Criteria: ARUP Molecular Germline Variant Investigation Process. Collection method: clinical testing. Allele origin: germline.
Comment: The COL5A1 p.Glu269Lys variant (rs761079177) has not been reported in the medical literature, nor has it been previously identified in our laboratory; however, it is listed in the ClinVar database as a variant of uncertain significance (Variation ID: 198041). This variant is observed in the general population with an overall allele frequency of 0.02% (58/246,206 alleles) in the Genome Aggregation Database. The glutamic acid at codon 269 is well conserved across 12 species (Alamut v.2.10.0), but computational algorithms do not reach a consensus as to the effect of this variant (SIFT: damaging, PolyPhen-2: benign, Mutation Taster: disease causing). Therefore, based on the available information, the clinical significance of the p.Glu269Lys variant cannot be determined with certainty.

Illumina Laboratory Services, Illumina
Classification: Likely benign for Ehlers-Danlos syndrome, classic type, 1. Last evaluated: 2018-01-13. Review status: criteria provided, single submitter. Criteria: ICSL Variant Classification Criteria 13 December 2019. Collection method: clinical testing. Allele origin: germline.
Comment: This variant was observed in the ICSL laboratory as part of a predisposition screen in an ostensibly healthy population. It had not been previously curated by ICSL or reported in the Human Gene Mutation Database (HGMD: prior to June 1st, 2018), and was therefore a candidate for classification through an automated scoring system. Utilizing variant allele frequency, disease prevalence and penetrance estimates, and inheritance mode, an automated score was calculated to assess if this variant is too frequent to cause the disease. Based on the score and internal cut-off values, a variant classified as likely benign is not then subjected to further curation. The score for this variant resulted in a classification of likely benign for this disease.

Eurofins Ntd Llc (ga)
Classification: Uncertain significance. Last evaluated: 2014-09-01. Review status: criteria provided, single submitter. Criteria: EGL Classification Definitions 2015. Collection method: clinical testing. Allele origin: germline. Observed: 1 variant allele, 1 heterozygote.

PreventionGenetics, part of Exact Sciences
Classification: Likely benign for COL5A1-related condition. Last evaluated: 2022-08-19. Review status: no assertion criteria provided. Collection method: clinical testing. Allele origin: germline. Not counted in ClinVar's aggregate classification.
Comment: This variant is classified as likely benign based on ACMG/AMP sequence variant interpretation guidelines (Richards et al. 2015 PMID: 25741868, with internal and published modifications).

Literature cited by the submitters: PubMed 27011056 (cited by Ambry Genetics).